The following is an entry in ClinVar:

ClinVar aggregate classification (germline): Uncertain significance. Review status: criteria provided, single submitter (1 of 4 stars). 2 submissions from 2 submitters: Uncertain significance (1). 1 of the submissions does not count toward it. Last evaluated 2023-02-16.

Conditions:
C5-related disorder. Also called: C5-related condition.

Allele frequency attached by ClinVar (database versions not stated): gnomAD exomes below 0.00001; ExAC 0.00001; TOPMed 0.00002.
gnomAD v4.1: 2 of 1,613,240 alleles (0.00012%); highest among the groups gnomAD compares: Admixed American, 0.0033%; no homozygotes.

Submissions (2):

Ambry Genetics
Classification: Uncertain significance. Last evaluated: 2023-02-16. Review status: criteria provided, single submitter. Criteria: Ambry Variant Classification Scheme 2023. Collection method: clinical testing. Allele origin: germline.

PreventionGenetics, part of Exact Sciences
Classification: Uncertain significance for C5-related condition. Last evaluated: 2024-05-27. Review status: no assertion criteria provided. Collection method: clinical testing. Allele origin: germline. Not counted in ClinVar's aggregate classification.
Comment: The C5 c.1597A>G variant is predicted to result in the amino acid substitution p.Asn533Asp. To our knowledge, this variant has not been reported in the literature. This variant is reported in 0.0029% of alleles in individuals of Latino descent in gnomAD. At this time, the clinical significance of this variant is uncertain due to the absence of conclusive functional and genetic evidence.

NM_001735.3(C5):c.1597A>G (p.Asn533Asp)

Gene: C5 (complement C5; minus strand). Cytogenetic location: 9q33.2.
Variant type: single nucleotide variant.
Coding change: c.1597A>G on transcript NM_001735.3 (MANE Select); coding-DNA position 1597, A replaced by G.
Protein change: p.Asn533Asp; replaces asparagine 533 with aspartic acid.
Molecular consequence: missense variant.
Genome position (GRCh38, 1-based): chr9:121,017,762, T>C on the plus strand (A>G on the coding strand, the complement: C5 is on the minus strand). VCF-style: chr9-121017762-T-C. GRCh37 (hg19) VCF-style: chr9-123780040-T-C.
Other names: c.1615A>G, p.Asn539Asp (NM_001317163.2); c.1597A>G, p.Asn533Asp (NM_001317164.2); short protein forms N533D, N539D.
Identifiers: ClinVar variation 2485468 (VCV002485468.3), dbSNP rs750833998, ClinGen allele CA5218028.